The following is an entry in ClinVar:

NM_001148.6(ANK2):c.10940A>G (p.His3647Arg)

Gene: ANK2 (ankyrin 2; plus strand). Cytogenetic location: 4q26.
Variant type: single nucleotide variant.
Coding change: c.10940A>G on transcript NM_001148.6 (MANE Select); coding-DNA position 10940, A replaced by G.
Protein change: p.His3647Arg; replaces histidine 3647 with arginine.
Molecular consequence: missense variant.
Genome position (GRCh38, 1-based): chr4:113,365,090, A>G. VCF-style: chr4-113365090-A-G. GRCh37 (hg19) VCF-style: chr4-114286246-A-G.
Other names: c.4658A>G, p.His1553Arg (NM_001127493.3); c.4697A>G, p.His1566Arg (NM_001354225.2); c.4586A>G, p.His1529Arg (NM_001354228.2, NM_001354258.2); c.4664A>G, p.His1555Arg (NM_001354230.2); c.4727A>G, p.His1576Arg (NM_001354231.2, NM_001354242.2); c.4721A>G, p.His1574Arg (NM_001354232.2); c.4682A>G, p.His1561Arg (NM_001354235.2, NM_001354246.2, NM_001354265.2); c.4583A>G, p.His1528Arg (NM_001354236.2); and 35 more; short protein forms H1401R, H1434R, H1462R, H1467R, H1475R, H1484R, H1487R, H1489R.
Identifiers: ClinVar variation 3361032 (VCV003361032.1).

ClinVar aggregate classification (germline): Uncertain significance (1 of 4 stars; one submission).

Submission:

GeneDx
Classification: Uncertain significance. Last evaluated: 2023-07-11. Review status: criteria provided, single submitter. Criteria: GeneDx Variant Classification Process June 2021. Collection method: clinical testing. Allele origin: germline. Affected: yes.
Comment: Not observed at significant frequency in large population cohorts (gnomAD); In silico analysis supports that this missense variant has a deleterious effect on protein structure/function; Has not been previously published as pathogenic or benign to our knowledge